The following is an entry in ClinVar:

ClinVar aggregate classification (germline): Uncertain significance (1 of 4 stars; one submission).

gnomAD v4.1: 34 of 1,613,970 alleles (0.0021%); highest among the groups gnomAD compares: East Asian, 0.0045%; no homozygotes.

Submission:

Ambry Genetics
Classification: Uncertain significance. Last evaluated: 2024-01-31. Review status: criteria provided, single submitter. Criteria: Ambry Variant Classification Scheme 2023. Collection method: clinical testing. Allele origin: germline.
Comment: The c.412C>T (p.R138W) alteration is located in exon (coding exon ) of the ASIC2 gene. This alteration results from a C to T substitution at nucleotide position 412, causing the arginine (R) at amino acid position 138 to be replaced by a tryptophan (W). Based on insufficient or conflicting evidence, the clinical significance of this alteration remains unclear.

NM_001094.5(ASIC2):c.412C>T (p.Arg138Trp)

Genes: ASIC2 (acid sensing ion channel subunit 2; minus strand), LOC105371735 (uncharacterized LOC105371735; plus strand). Cytogenetic location: 17q12.
Variant type: single nucleotide variant.
Coding change: c.412C>T on transcript NM_001094.5; coding-DNA position 412, C replaced by T.
Protein change: p.Arg138Trp; replaces arginine 138 with tryptophan.
Molecular consequence: missense variant. On other transcripts: non-coding transcript variant (1).
Genome position (GRCh38, 1-based): chr17:34,156,121, G>A on the plus strand (C>T on the coding strand, the complement: ASIC2 is on the minus strand). VCF-style: chr17-34156121-G-A. GRCh37 (hg19) VCF-style: chr17-32483140-G-A.
Other names: short protein forms R138W.
Identifiers: ClinVar variation 3130357 (VCV003130357.1), dbSNP rs565904010, ClinGen allele CA8495299.